The following is an entry in ClinVar:

ClinVar aggregate classification (germline): Likely benign (1 of 4 stars; one submission).

Allele frequency attached by ClinVar (database versions not stated): gnomAD 0.00043.

Submission:

CeGaT Center for Human Genetics Tuebingen
Classification: Likely benign. Last evaluated: 2025-05-01. Review status: criteria provided, single submitter. Criteria: CeGaT Center For Human Genetics Tuebingen Variant Classification Criteria Version 2. Collection method: clinical testing. Allele origin: germline. Affected: yes. Observed: 3 variant alleles.
Comment: DRD4: BP4, BP7

NM_000797.4(DRD4):c.864C>T (p.Asp288=)

Gene: DRD4 (dopamine receptor D4; plus strand). Cytogenetic location: 11p15.5.
Variant type: single nucleotide variant.
Coding change: c.864C>T on transcript NM_000797.4 (MANE Select); coding-DNA position 864, C replaced by T.
Protein change: p.Asp288=; no amino-acid change (aspartic acid 288 retained).
Molecular consequence: synonymous variant.
Genome position (GRCh38, 1-based): chr11:640,113, C>T. VCF-style: chr11-640113-C-T. GRCh37 (hg19) VCF-style: chr11-640113-C-T.
Identifiers: ClinVar variation 2641084 (VCV002641084.24), dbSNP rs1475800308, ClinGen allele CA472437014.
Genomic context (GRCh38, chr11:640,113, plus strand): 5'-CCTTCCCCGGGGTCCCTGCGGCCCCGACTGTGCGCCCGCCGCGCCCAGCCTCCCCCAGGA[C>T]CCCTGCGGCCCCGACTGTGCGCCCCCCGCGCCCGGCCTCCCCCCGGACCCCTGCGGCTCC-3'
Protein context (NP_000788.2, residues 278-298): CAPAAPSLPQ[Asp288=]PCGPDCAPPA